The following is an entry in ClinVar:

ClinVar aggregate classification (germline): Conflicting classifications of pathogenicity. Review status: criteria provided, conflicting classifications (1 of 4 stars). 2 submissions from 2 submitters: Uncertain significance (1); Likely benign (1). Last evaluated 2023-03-23.

Conditions:
Hereditary cancer-predisposing syndrome. Also called: Neoplastic Syndromes, Hereditary; Tumor predisposition; Hereditary Cancer Syndrome; Hereditary neoplastic syndrome. Identifiers: Orphanet 140162, MedGen C0027672, MeSH D009386, MONDO:0015356.

Submissions (2):

University of Washington Department of Laboratory Medicine, University of Washington
Classification: Likely benign for Hereditary cancer-predisposing syndrome. Last evaluated: 2023-03-23. Review status: criteria provided, single submitter. Criteria: Dines et al. (Genet Med. 2020). Collection method: curation. Allele origin: germline.
Comment: Missense variant in a coldspot region where missense variants are very unlikely to be pathogenic (PMID:31911673).

BRCA2 exon 10 coldspot. Reclassification based on statistical prior probability.

Ambry Genetics
Classification: Uncertain significance for Hereditary cancer-predisposing syndrome. Last evaluated: 2016-05-31. Review status: criteria provided, single submitter. Criteria: Ambry Variant Classification Scheme 2023. Collection method: clinical testing. Allele origin: germline.
Comment: The p.S450C variant (also known as c.1349C>G), located in coding exon 9 of the BRCA2 gene, results from a C to G substitution at nucleotide position 1349. The serine at codon 450 is replaced by cysteine, an amino acid with dissimilar properties. This variant was not reported in population based cohorts in the following databases: Database of Single Nucleotide Polymorphisms (dbSNP), NHLBI Exome Sequencing Project (ESP), and 1000 Genomes Project. In the ESP, this variant was not observed in 6502 samples (13004 alleles) with coverage at this position. To date, this alteration has been detected with an allele frequency of approximately 0.0007% (greater than 300000 alleles tested) in our clinical cohort. This amino acid position is well conserved in available vertebrate species. In addition, this alteration is predicted to be probably damaging and tolerated by PolyPhen and SIFT in silico analyses, respectively. Since supporting evidence is limited at this time, the clinical significance of p.S450C remains unclear.

NM_000059.4(BRCA2):c.1349C>G (p.Ser450Cys)

Gene: BRCA2 (BRCA2 DNA repair associated; plus strand). Cytogenetic location: 13q13.1.
Variant type: single nucleotide variant.
Coding change: c.1349C>G on transcript NM_000059.4 (MANE Select); coding-DNA position 1349, C replaced by G.
Protein change: p.Ser450Cys; replaces serine 450 with cysteine.
Molecular consequence: missense variant.
Genome position (GRCh38, 1-based): chr13:32,332,827, C>G. VCF-style: chr13-32332827-C-G. GRCh37 (hg19) VCF-style: chr13-32906964-C-G.
Other names: short protein forms S450C.
Identifiers: ClinVar variation 231228 (VCV000231228.6), dbSNP rs876659037, ClinGen allele CA10579494.